The following is an entry in ClinVar:

NM_000038.6(APC):c.6710G>A (p.Arg2237Gln)

Gene: APC (APC regulator of Wnt signaling pathway; plus strand). Cytogenetic location: 5q22.2.
Variant type: single nucleotide variant.
Coding change: c.6710G>A on transcript NM_000038.6 (MANE Select); coding-DNA position 6710, G replaced by A.
Protein change: p.Arg2237Gln; replaces arginine 2237 with glutamine.
Molecular consequence: missense variant.
Genome position (GRCh38, 1-based): chr5:112,842,304, G>A. VCF-style: chr5-112842304-G-A. GRCh37 (hg19) VCF-style: chr5-112178001-G-A.
Other names: c.6710G>A, p.Arg2237Gln (NM_001127510.3, NM_001354895.2); c.6656G>A, p.Arg2219Gln (NM_001127511.3); c.6764G>A, p.Arg2255Gln (NM_001354896.2); c.6740G>A, p.Arg2247Gln (NM_001354897.2); c.6635G>A, p.Arg2212Gln (NM_001354898.2); c.6626G>A, p.Arg2209Gln (NM_001354899.2); c.6587G>A, p.Arg2196Gln (NM_001354900.2); c.6533G>A, p.Arg2178Gln (NM_001354901.2); and 5 more; short protein forms R2219Q, R2237Q, R2196Q, R2247Q, R2111Q, R2136Q, R2178Q, R2255Q.
Identifiers: ClinVar variation 489484 (VCV000489484.27), dbSNP rs1299714632, ClinGen allele CA16035995.

ClinVar aggregate classification (germline): Uncertain significance. Review status: criteria provided, multiple submitters, no conflicts (2 of 4 stars). 8 submissions from 8 submitters: Uncertain significance (8). Last evaluated 2025-12-29.

Conditions:
Familial adenomatous polyposis 1 (FAP1). Also called: POLYPOSIS, ADENOMATOUS INTESTINAL; FAMILIAL ADENOMATOUS POLYPOSIS 1, ATTENUATED. Identifiers: MedGen C2713442, MONDO:0021056, OMIM 175100. Disease mechanism: loss of function.
Classic or attenuated familial adenomatous polyposis. Identifiers: MedGen CN372698, MONDO:0021057.
Hereditary cancer-predisposing syndrome. Also called: Hereditary Cancer Syndrome; Neoplastic Syndromes, Hereditary; Tumor predisposition; Hereditary neoplastic syndrome. Identifiers: Orphanet 140162, MedGen C0027672, MeSH D009386, MONDO:0015356.

Allele frequency attached by ClinVar (database versions not stated): TOPMed below 0.00001; gnomAD exomes 0.00001.
gnomAD v4.1: 10 of 1,613,764 alleles (0.00062%); highest among the groups gnomAD compares: East Asian, 0.0022%; no homozygotes.

Submissions (8):

Center for Genomic Medicine, Rigshospitalet, Copenhagen University Hospital
Classification: Uncertain significance. Last evaluated: 2025-12-29. Review status: criteria provided, single submitter. Criteria: ACMG Guidelines, 2015. Collection method: clinical testing. Allele origin: germline.
Comment: Classification criteria: BP1

Ambry Genetics
Classification: Uncertain significance for Hereditary cancer-predisposing syndrome. Last evaluated: 2025-11-12. Review status: criteria provided, single submitter. Criteria: Ambry Variant Classification Scheme 2023. Collection method: clinical testing. Allele origin: germline.
Comment: The p.R2237Q variant (also known as c.6710G>A), located in coding exon 15 of the APC gene, results from a G to A substitution at nucleotide position 6710. The arginine at codon 2237 is replaced by glutamine, an amino acid with highly similar properties. This amino acid position is highly conserved in available vertebrate species. In addition, in silico predictors for this gene do not accurately predict pathogenicity. Since supporting evidence is limited at this time, the clinical significance of this alteration remains unclear.

Labcorp Genetics (formerly Invitae), Labcorp
Classification: Uncertain significance for Familial adenomatous polyposis 1. Last evaluated: 2025-07-30. Review status: criteria provided, single submitter. Criteria: Invitae Variant Classification Sherloc (09022015). Collection method: clinical testing. Allele origin: germline.
Comment: This sequence change replaces arginine, which is basic and polar, with glutamine, which is neutral and polar, at codon 2237 of the APC protein (p.Arg2237Gln). The frequency data for this variant in the population databases is considered unreliable, as metrics indicate poor data quality at this position in the gnomAD database. This variant has not been reported in the literature in individuals affected with APC-related conditions. ClinVar contains an entry for this variant (Variation ID: 489484). Invitae Evidence Modeling of protein sequence and biophysical properties (such as structural, functional, and spatial information, amino acid conservation, physicochemical variation, residue mobility, and thermodynamic stability) indicates that this missense variant is not expected to disrupt APC protein function with a negative predictive value of 95%. In summary, the available evidence is currently insufficient to determine the role of this variant in disease. Therefore, it has been classified as a Variant of Uncertain Significance.

Quest Diagnostics Nichols Institute San Juan Capistrano
Classification: Uncertain significance. Last evaluated: 2025-01-14. Review status: criteria provided, single submitter. Criteria: Quest Diagnostics criteria. Collection method: clinical testing. Allele origin: unknown.
Comment: The APC c.6710G>A (p.Arg2237Gln) variant has not been reported in the germline of individuals with APC-related conditions in the published literature. The frequency of this variant in the general population (Genome Aggregation Database) is uninformative in the assessment of its pathogenicity. Analysis of this variant using bioinformatics tools for the prediction of the effect of amino acid changes on protein structure and function yielded conflicting predictions that this variant is benign or damaging. Based on the available information, we are unable to determine the clinical significance of this variant.

All of Us Research Program, National Institutes of Health
Classification: Uncertain significance for Classic or attenuated familial adenomatous polyposis. Last evaluated: 2024-06-09. Review status: criteria provided, single submitter. Criteria: ACMG Guidelines, 2015. Collection method: clinical testing. Allele origin: germline. Inheritance: Autosomal dominant inheritance. Observed: 3 variant alleles, 3 heterozygotes.
Comment: This missense variant replaces arginine with glutamine at codon 2237 of the APC protein. Computational prediction suggests that this variant may not impact protein structure and function (internally defined REVEL score threshold <= 0.5, PMID: 27666373). To our knowledge, functional studies have not been reported for this variant. This variant has not been reported in individuals affected with APC-related disorders in the literature. This variant has been identified in 2/250672 chromosomes in the general population by the Genome Aggregation Database (gnomAD). The available evidence is insufficient to determine the role of this variant in disease conclusively. Therefore, this variant is classified as a Variant of Uncertain Significance.

This study involves interpretation of variants in research participants for the purpose of population health screening. Participant phenotype was not available at the time of variant classification. Additional details can be found in publication PMID: 35346344, PMCID: PMC8962531

Color Diagnostics, LLC DBA Color Health
Classification: Uncertain significance for Hereditary cancer-predisposing syndrome. Last evaluated: 2023-11-09. Review status: criteria provided, single submitter. Criteria: ACMG Guidelines, 2015. Collection method: clinical testing. Allele origin: germline.
Comment: This missense variant replaces arginine with glutamine at codon 2237 of the APC protein. Computational prediction suggests that this variant may not impact protein structure and function (internally defined REVEL score threshold <= 0.5, PMID: 27666373). To our knowledge, functional studies have not been reported for this variant. This variant has not been reported in individuals affected with APC-related disorders in the literature. This variant has been identified in 2/250672 chromosomes in the general population by the Genome Aggregation Database (gnomAD). The available evidence is insufficient to determine the role of this variant in disease conclusively. Therefore, this variant is classified as a Variant of Uncertain Significance.

GeneDx
Classification: Uncertain significance. Last evaluated: 2023-01-19. Review status: criteria provided, single submitter. Criteria: GeneDx Variant Classification Process June 2021. Collection method: clinical testing. Allele origin: germline. Affected: yes.
Comment: Not observed at significant frequency in large population cohorts (gnomAD); In silico analysis supports that this missense variant does not alter protein structure/function; Has not been previously published as germline pathogenic or benign to our knowledge; This variant is associated with the following publications: (PMID: 29106415, 28706299, 31936598)

Mendelics
Classification: Uncertain significance for Familial adenomatous polyposis 1. Last evaluated: 2019-05-28. Review status: criteria provided, single submitter. Criteria: Mendelics Assertion Criteria 2017. Collection method: clinical testing. Allele origin: unknown.

Literature cited by the submitters: PubMed 27852271 (cited by Quest Diagnostics Nichols Institute San Juan Capistrano); PubMed 29106415 (cited by Quest Diagnostics Nichols Institute San Juan Capistrano); PubMed 31936598 (cited by Quest Diagnostics Nichols Institute San Juan Capistrano); PubMed 38282550 (cited by Quest Diagnostics Nichols Institute San Juan Capistrano); PubMed 38359148 (cited by Quest Diagnostics Nichols Institute San Juan Capistrano).